The following is an entry in ClinVar:

ClinVar aggregate classification (germline): Uncertain significance (1 of 4 stars; one submission).

Conditions:
FG syndrome (FGS). Identifiers: MedGen C0220769, MONDO:0002010.

Allele frequency attached by ClinVar (database versions not stated): gnomAD exomes below 0.00001.
gnomAD v4.1: 1 of 1,211,696 alleles (0.000083%); highest among the groups gnomAD compares: Non-Finnish European, 0.00011%; no homozygotes.

Submission:

Labcorp Genetics (formerly Invitae), Labcorp
Classification: Uncertain significance for FG syndrome. Last evaluated: 2023-08-17. Review status: criteria provided, single submitter. Criteria: Invitae Variant Classification Sherloc (09022015). Collection method: clinical testing. Allele origin: germline.
Comment: Advanced modeling of protein sequence and biophysical properties (such as structural, functional, and spatial information, amino acid conservation, physicochemical variation, residue mobility, and thermodynamic stability) has been performed at Invitae for this missense variant, however the output from this modeling did not meet the statistical confidence thresholds required to predict the impact of this variant on MED12 protein function. In summary, the available evidence is currently insufficient to determine the role of this variant in disease. Therefore, it has been classified as a Variant of Uncertain Significance. This variant has not been reported in the literature in individuals affected with MED12-related conditions. This variant is not present in population databases (gnomAD no frequency). This sequence change replaces tyrosine, which is neutral and polar, with cysteine, which is neutral and slightly polar, at codon 1898 of the MED12 protein (p.Tyr1898Cys).

NM_005120.3(MED12):c.5693A>G (p.Tyr1898Cys)

Gene: MED12 (mediator complex subunit 12; plus strand). Cytogenetic location: Xq13.1.
Variant type: single nucleotide variant.
Coding change: c.5693A>G on transcript NM_005120.3 (MANE Select); coding-DNA position 5693, A replaced by G.
Protein change: p.Tyr1898Cys; replaces tyrosine 1898 with cysteine.
Molecular consequence: missense variant.
Genome position (GRCh38, 1-based): chrX:71,137,328, A>G. VCF-style: chrX-71137328-A-G. GRCh37 (hg19) VCF-style: chrX-70357178-A-G.
Other names: short protein forms Y1898C.
Identifiers: ClinVar variation 2715536 (VCV002715536.3), dbSNP rs2519714201, ClinGen allele CA413537344.